The following is an entry in ClinVar:

ClinVar aggregate classification (germline): Likely pathogenic (1 of 4 stars; one submission).

Conditions:
Holoprosencephaly 3 (HPE3). Identifiers: Orphanet 2162, MedGen C1840529, MONDO:0007733, OMIM 142945.

Submission:

Victorian Clinical Genetics Services, Murdoch Childrens Research Institute
Classification: Likely pathogenic for Holoprosencephaly 3. Last evaluated: 2024-10-08. Review status: criteria provided, single submitter. Criteria: ACMG Guidelines, 2015. Collection method: clinical testing. Allele origin: germline. Inheritance: Autosomal dominant inheritance. Affected: yes.
Comment: Based on the classification scheme VCGS_Germline_v1.3.4, this variant is classified as Likely pathogenic. Following criteria are met: 0103 - Dominant negative and loss of function are known mechanisms of disease in this gene and are associated with holoprosencephaly 3 (MIM#142945), microphthalmia with coloboma 5 (MIM#611638), and single median maxillary central incisor (MIM#147250). Loss of function is the typical disease mechanism; however, dominant negative has been reported for a small number of missense variants (PMID: 19057928). (I) 0107 - This gene is associated with autosomal dominant disease. (I) 0112 - The condition associated with this gene has incomplete penetrance (PMID: 20104608). (I) 0115 - Variants in this gene are known to have variable expressivity (PMID: 20104608). (I) 0200 - Variant is predicted to result in a missense amino acid change from alanine to threonine. (I) 0251 - This variant is heterozygous. (I) 0301 - Variant is absent from gnomAD (both v2 and v3). (SP) 0501 - Missense variant consistently predicted to be damaging by multiple in silico tools or highly conserved with a major amino acid change. (SP) 0600 - Variant is located in the annotated Hint domain (DECIPHER). (I) 0705 - No comparable missense variants have previous evidence for pathogenicity. (I) 0807 - This variant has no previous evidence of pathogenicity. (I) 0905 - No published segregation evidence has been identified for this variant. (I) 1007 - No published functional evidence has been identified for this variant. (SP) Legend: (SP) - Supporting pathogenic, (I) - Information, (SB) - Supporting benign

Literature cited by the submitters: PubMed 19057928; PubMed 20104608.

NM_000193.4(SHH):c.1093G>A (p.Ala365Thr)

Gene: SHH (sonic hedgehog signaling molecule; minus strand). Cytogenetic location: 7q36.3.
Variant type: single nucleotide variant.
Coding change: c.1093G>A on transcript NM_000193.4 (MANE Select); coding-DNA position 1093, G replaced by A.
Protein change: p.Ala365Thr; replaces alanine 365 with threonine.
Molecular consequence: missense variant. On other transcripts: intron variant (1).
Genome position (GRCh38, 1-based): chr7:155,803,196, C>T on the plus strand (G>A on the coding strand, the complement: SHH is on the minus strand). VCF-style: chr7-155803196-C-T. GRCh37 (hg19) VCF-style: chr7-155595890-C-T.
Other names: c.302-2951G>A (NM_001310462.2); short protein forms A365T.
Identifiers: ClinVar variation 3377157 (VCV003377157.1).
Genomic context (GRCh38, chr7:155,803,196, plus strand): 5'-CGTGCGCCAGGCGGAAGGGCGCGAAGGCCCGGTGCGCCCAGCTGTGCTCCTCGATGACCG[C>T]GTAGCACGAGGCCAGCACCCGGTTGATGAGAATGGTGCCCTGGGCCGTGAGCGGCGCGTA-3'
Protein context (NP_000184.1, residues 355-375): LINRVLASCY[Ala365Thr]VIEEHSWAHR